The following is an entry in ClinVar:

ClinVar aggregate classification (germline): Uncertain significance. Review status: criteria provided, multiple submitters, no conflicts (2 of 4 stars). 2 submissions from 2 submitters: Uncertain significance (2). Last evaluated 2023-06-29.

Allele frequency attached by ClinVar (database versions not stated): gnomAD exomes 0.00007 and 0.00013; ExAC 0.00012; 1000 Genomes Project 30x 0.00016; 1000 Genomes Project 0.00020; ESP Exome Variant Server 0.00046; gnomAD 0.00055 and 0.00059; TOPMed 0.00072.
gnomAD v4.1: 179 of 1,609,328 alleles (0.011%); highest among the groups gnomAD compares: African/African-American, 0.18%; 2 homozygotes.

Submissions (2):

GeneDx
Classification: Uncertain significance. Last evaluated: 2023-06-29. Review status: criteria provided, single submitter. Criteria: GeneDx Variant Classification Process June 2021. Collection method: clinical testing. Allele origin: germline. Affected: yes.
Comment: In silico analysis supports that this missense variant does not alter protein structure/function; Has not been previously published as pathogenic or benign to our knowledge

Labcorp Genetics (formerly Invitae), Labcorp
Classification: Uncertain significance. Last evaluated: 2022-07-19. Review status: criteria provided, single submitter. Criteria: Invitae Variant Classification Sherloc (09022015). Collection method: clinical testing. Allele origin: germline.
Comment: This sequence change replaces proline, which is neutral and non-polar, with leucine, which is neutral and non-polar, at codon 123 of the INPPL1 protein (p.Pro123Leu). This variant is present in population databases (rs139756712, gnomAD 0.2%). This variant has not been reported in the literature in individuals affected with INPPL1-related conditions. ClinVar contains an entry for this variant (Variation ID: 1046551). Algorithms developed to predict the effect of missense changes on protein structure and function output the following: SIFT: "Deleterious"; PolyPhen-2: "Benign"; Align-GVGD: "Class C0". The leucine amino acid residue is found in multiple mammalian species, which suggests that this missense change does not adversely affect protein function. In summary, the available evidence is currently insufficient to determine the role of this variant in disease. Therefore, it has been classified as a Variant of Uncertain Significance.

NM_001567.4(INPPL1):c.368C>T (p.Pro123Leu)

Gene: INPPL1 (inositol polyphosphate phosphatase like 1; plus strand). Cytogenetic location: 11q13.4.
Variant type: single nucleotide variant.
Coding change: c.368C>T on transcript NM_001567.4 (MANE Select); coding-DNA position 368, C replaced by T.
Protein change: p.Pro123Leu; replaces proline 123 with leucine.
Molecular consequence: missense variant.
Genome position (GRCh38, 1-based): chr11:72,228,469, C>T. VCF-style: chr11-72228469-C-T. GRCh37 (hg19) VCF-style: chr11-71939513-C-T.
Other names: short protein forms P123L.
Identifiers: ClinVar variation 1046551 (VCV001046551.8), dbSNP rs139756712, ClinGen allele CA6169633.